The following is an entry in ClinVar:

ClinVar aggregate classification (germline): Uncertain significance (1 of 4 stars; one submission).

gnomAD v4.1: 4 of 1,614,152 alleles (0.00025%); highest among the groups gnomAD compares: Non-Finnish European, 0.00034%; no homozygotes.

Submission:

Labcorp Genetics (formerly Invitae), Labcorp
Classification: Uncertain significance. Last evaluated: 2023-11-15. Review status: criteria provided, single submitter. Criteria: Invitae Variant Classification Sherloc (09022015). Collection method: clinical testing. Allele origin: germline.
Comment: This sequence change replaces serine, which is neutral and polar, with arginine, which is basic and polar, at codon 933 of the DUOX2 protein (p.Ser933Arg). This variant is present in population databases (rs760327194, gnomAD 0.0009%). This variant has not been reported in the literature in individuals affected with DUOX2-related conditions. Advanced modeling of protein sequence and biophysical properties (such as structural, functional, and spatial information, amino acid conservation, physicochemical variation, residue mobility, and thermodynamic stability) performed at Invitae indicates that this missense variant is not expected to disrupt DUOX2 protein function with a negative predictive value of 80%. In summary, the available evidence is currently insufficient to determine the role of this variant in disease. Therefore, it has been classified as a Variant of Uncertain Significance.

NM_001363711.2(DUOX2):c.2799C>G (p.Ser933Arg)

Gene: DUOX2 (dual oxidase 2; minus strand). Cytogenetic location: 15q21.1.
Variant type: single nucleotide variant.
Coding change: c.2799C>G on transcript NM_001363711.2 (MANE Select); coding-DNA position 2799, C replaced by G.
Protein change: p.Ser933Arg; replaces serine 933 with arginine.
Molecular consequence: missense variant.
Genome position (GRCh38, 1-based): chr15:45,101,845, G>C on the plus strand (C>G on the coding strand, the complement: DUOX2 is on the minus strand). VCF-style: chr15-45101845-G-C. GRCh37 (hg19) VCF-style: chr15-45394043-G-C.
Other names: c.2799C>G, p.Ser933Arg (NM_014080.5); short protein forms S933R.
Identifiers: ClinVar variation 2997289 (VCV002997289.1), dbSNP rs760327194, ClinGen allele CA7538146.